The following is an entry in ClinVar:

NM_001374353.1(GLI2):c.176A>G (p.His59Arg)

Gene: GLI2 (GLI family zinc finger 2; plus strand). Cytogenetic location: 2q14.2.
Variant type: single nucleotide variant.
Coding change: c.176A>G on transcript NM_001374353.1 (MANE Select); coding-DNA position 176, A replaced by G.
Protein change: p.His59Arg; replaces histidine 59 with arginine.
Molecular consequence: missense variant. On other transcripts: intron variant (1).
Genome position (GRCh38, 1-based): chr2:120,927,388, A>G. VCF-style: chr2-120927388-A-G. GRCh37 (hg19) VCF-style: chr2-121684964-A-G.
Other names: c.176A>G, p.His59Arg (NM_001371271.1, NM_005270.5); c.-121-23855A>G (NM_001374354.1); c.176A>G (NM_005270.4); short protein forms H59R.
Identifiers: ClinVar variation 1418872 (VCV001418872.9), dbSNP rs777912029, ClinGen allele CA1851444.

ClinVar aggregate classification (germline): Uncertain significance. Review status: criteria provided, multiple submitters, no conflicts (2 of 4 stars). 2 submissions from 2 submitters: Uncertain significance (2). Last evaluated 2024-12-07.

Conditions:
Inborn genetic diseases. Identifiers: MedGen C0950123, MeSH D030342.
Postaxial polydactyly-anterior pituitary anomalies-facial dysmorphism syndrome. Also called: Culler-Jones syndrome. Identifiers: Orphanet 420584, MedGen C4014479, MONDO:0014369, OMIM 615849.
Holoprosencephaly 9 (HPE9). Also called: PITUITARY ANOMALIES WITH HOLOPROSENCEPHALY-LIKE FEATURES; HOLOPROSENCEPHALY WITH MICROPHTHALMIA AND FIRST BRANCHIAL ARCH ANOMALIES. Identifiers: Orphanet 2162, MedGen C1835819, MONDO:0012563, OMIM 610829.

Allele frequency attached by ClinVar (database versions not stated): gnomAD exomes 0.00001 and 0.00002; TOPMed 0.00001; ExAC 0.00002.

Submissions (2):

Ambry Genetics
Classification: Uncertain significance for Inborn genetic diseases. Last evaluated: 2024-12-07. Review status: criteria provided, single submitter. Criteria: Ambry Variant Classification Scheme 2023. Collection method: clinical testing. Allele origin: germline.

Labcorp Genetics (formerly Invitae), Labcorp
Classification: Uncertain significance for Postaxial polydactyly-anterior pituitary anomalies-facial dysmorphism syndrome; Holoprosencephaly 9. Last evaluated: 2023-07-07. Review status: criteria provided, single submitter. Criteria: Invitae Variant Classification Sherloc (09022015). Collection method: clinical testing. Allele origin: germline.
Comment: In summary, the available evidence is currently insufficient to determine the role of this variant in disease. Therefore, it has been classified as a Variant of Uncertain Significance. An algorithm developed to predict the effect of missense changes on protein structure and function (PolyPhen-2) suggests that this variant is likely to be tolerated. ClinVar contains an entry for this variant (Variation ID: 1418872). This variant has not been reported in the literature in individuals affected with GLI2-related conditions. This variant is present in population databases (rs777912029, gnomAD 0.004%). This sequence change replaces histidine, which is basic and polar, with arginine, which is basic and polar, at codon 59 of the GLI2 protein (p.His59Arg).